The following is an entry in ClinVar:

ClinVar aggregate classification (germline): Uncertain significance (1 of 4 stars; one submission).

Submission:

Laboratory for Molecular Medicine, Mass General Brigham Personalized Medicine
Classification: Uncertain significance. Last evaluated: 2012-07-23. Review status: criteria provided, single submitter. Criteria: LMM Criteria. Collection method: clinical testing. Allele origin: germline. Observed: 1 variant allele.
Comment: The Leu364Val variant in TMPRSS3 has not been reported in the literature nor pre viously identified by our laboratory. Computational analyses (biochemical amino acid properties, conservation, AlignGVGD, PolyPhen2, and SIFT) suggest that the Leu364Val variant may impact the protein, though this information is not predict ive enough to determine pathogenicity. In summary, the clinical significance of this variant cannot be determined with certainty.

NM_001256317.3(TMPRSS3):c.1087T>G (p.Leu363Val)

Gene: TMPRSS3 (transmembrane serine protease 3; minus strand). Cytogenetic location: 21q22.3.
Variant type: single nucleotide variant.
Coding change: c.1087T>G on transcript NM_001256317.3 (MANE Select); coding-DNA position 1087, T replaced by G.
Protein change: p.Leu363Val; replaces leucine 363 with valine.
Molecular consequence: missense variant.
Genome position (GRCh38, 1-based): chr21:42,376,645, A>C on the plus strand (T>G on the coding strand, the complement: TMPRSS3 is on the minus strand). VCF-style: chr21-42376645-A-C. GRCh37 (hg19) VCF-style: chr21-43796754-A-C.
Other names: c.1090T>G, p.Leu364Val (NM_024022.4); c.709T>G, p.Leu237Val (NM_032404.3); short protein forms L364V, L237V, L363V.
Identifiers: ClinVar variation 46096 (VCV000046096.5), dbSNP rs397517370, ClinGen allele CA137676.